The following is an entry in ClinVar:

ClinVar aggregate classification (germline): Likely benign. Review status: criteria provided, single submitter (1 of 4 stars). 2 submissions from 2 submitters: Likely benign (1). 1 of the submissions does not count toward it. Last evaluated 2026-02-01.

Conditions:
Leukocyte adhesion deficiency 1 (LAD1). Also called: LEUKOCYTE ADHESION DEFICIENCY, TYPE I; LAD 1; Lymphocyte function-associated antigen 1 immunodeficiency; LFA 1 immunodeficiency. Identifiers: Orphanet 2968, Orphanet 99842, MedGen C0398738, MONDO:0007293, OMIM 116920.

Allele frequency attached by ClinVar (database versions not stated): gnomAD exomes 0.00001; ExAC 0.00002; TOPMed 0.00005; gnomAD 0.00007.
gnomAD v4.1: 19 of 1,613,946 alleles (0.0012%); highest among the groups gnomAD compares: African/African-American, 0.02%; no homozygotes.

Submissions (2):

Labcorp Genetics (formerly Invitae), Labcorp
Classification: Likely benign for Leukocyte adhesion deficiency 1. Last evaluated: 2026-02-01. Review status: criteria provided, single submitter. Criteria: Invitae Variant Classification Sherloc (09022015). Collection method: clinical testing. Allele origin: germline.

Genomic Research Center, Shahid Beheshti University of Medical Sciences
Classification: Benign for Leukocyte adhesion deficiency type 1. Review status: no assertion criteria provided. Collection method: not provided. Allele origin: inherited. Study: Mutation spectra of the ITGB2 gene in Iranian families with leukocyte adhesion deficiency type 1. Not counted in ClinVar's aggregate classification.
ClinVar note: Converted during submission from non-pathogenic to Benign.

NM_000211.5(ITGB2):c.381C>T (p.Ile127=)

Gene: ITGB2 (integrin subunit beta 2; minus strand). Cytogenetic location: 21q22.3.
Variant type: single nucleotide variant.
Coding change: c.381C>T on transcript NM_000211.5 (MANE Select); coding-DNA position 381, C replaced by T.
Protein change: p.Ile127=; no amino-acid change (isoleucine 127 retained).
Molecular consequence: synonymous variant.
Genome position (GRCh38, 1-based): chr21:44,903,483, G>A on the plus strand (C>T on the coding strand, the complement: ITGB2 is on the minus strand). VCF-style: chr21-44903483-G-A. GRCh37 (hg19) VCF-style: chr21-46323398-G-A.
Other names: c.381C>T (LRG_76t1); c.381C>T, p.Ile127= (NM_001127491.3); c.174C>T, p.Ile58= (NM_001303238.2).
Identifiers: ClinVar variation 100755 (VCV000100755.12), dbSNP rs483352812, ClinGen allele CA249769.